The following is an entry in ClinVar:

ClinVar aggregate classification (germline): Uncertain significance (1 of 4 stars; one submission).

Conditions:
RYR1-related disorder. Also called: RYR1-related condition; RYR1-related disorders. Identifiers: MedGen CN239331.

Submission:

Labcorp Genetics (formerly Invitae), Labcorp
Classification: Uncertain significance for RYR1-related disorder. Last evaluated: 2025-03-10. Review status: criteria provided, single submitter. Criteria: Invitae Variant Classification Sherloc (09022015). Collection method: clinical testing. Allele origin: germline.
Comment: This sequence change replaces leucine, which is neutral and non-polar, with methionine, which is neutral and non-polar, at codon 4845 of the RYR1 protein (p.Leu4845Met). This variant is not present in population databases (gnomAD no frequency). This variant has not been reported in the literature in individuals affected with RYR1-related conditions. ClinVar contains an entry for this variant (Variation ID: 1062645). Invitae Evidence Modeling of protein sequence and biophysical properties (such as structural, functional, and spatial information, amino acid conservation, physicochemical variation, residue mobility, and thermodynamic stability) has been performed for this missense variant. However, the output from this modeling did not meet the statistical confidence thresholds required to predict the impact of this variant on RYR1 protein function. In summary, the available evidence is currently insufficient to determine the role of this variant in disease. Therefore, it has been classified as a Variant of Uncertain Significance.

NM_000540.3(RYR1):c.14533C>A (p.Leu4845Met)

Gene: RYR1 (ryanodine receptor 1; plus strand). Cytogenetic location: 19q13.2.
Variant type: single nucleotide variant.
Coding change: c.14533C>A on transcript NM_000540.3 (MANE Select); coding-DNA position 14533, C replaced by A.
Protein change: p.Leu4845Met; replaces leucine 4845 with methionine.
Molecular consequence: missense variant.
Genome position (GRCh38, 1-based): chr19:38,580,391, C>A. VCF-style: chr19-38580391-C-A. GRCh37 (hg19) VCF-style: chr19-39071031-C-A.
Other names: c.14518C>A, p.Leu4840Met (NM_001042723.2); short protein forms L4840M, L4845M.
Identifiers: ClinVar variation 1062645 (VCV001062645.9), dbSNP rs2145896369, ClinGen allele CA405687617.